The following is an entry in ClinVar:

ClinVar aggregate classification (germline): Conflicting classifications of pathogenicity. Review status: criteria provided, conflicting classifications (1 of 4 stars). 7 submissions from 7 submitters: Uncertain significance (6); Likely benign (1). Last evaluated 2025-11-22.

Conditions:
Classic or attenuated familial adenomatous polyposis. Identifiers: MedGen CN372698, MONDO:0021057.
Hereditary cancer-predisposing syndrome. Also called: Tumor predisposition; Hereditary Cancer Syndrome; Hereditary neoplastic syndrome; Neoplastic Syndromes, Hereditary. Identifiers: Orphanet 140162, MedGen C0027672, MeSH D009386, MONDO:0015356.
Familial adenomatous polyposis 1 (FAP1). Also called: FAMILIAL ADENOMATOUS POLYPOSIS 1, ATTENUATED; POLYPOSIS, ADENOMATOUS INTESTINAL. Identifiers: MedGen C2713442, MONDO:0021056, OMIM 175100. Disease mechanism: loss of function.

Allele frequency attached by ClinVar (database versions not stated): gnomAD exomes below 0.00001; TOPMed below 0.00001.
gnomAD v4.1: 6 of 1,611,258 alleles (0.00037%); highest among the groups gnomAD compares: East Asian, 0.0022%; no homozygotes.

Submissions (7):

Labcorp Genetics (formerly Invitae), Labcorp
Classification: Uncertain significance for Familial adenomatous polyposis 1. Last evaluated: 2025-11-22. Review status: criteria provided, single submitter. Criteria: Invitae Variant Classification Sherloc (09022015). Collection method: clinical testing. Allele origin: germline.
Comment: This sequence change replaces histidine, which is basic and polar, with arginine, which is basic and polar, at codon 464 of the APC protein (p.His464Arg). This variant is present in population databases (rs730881236, gnomAD 0.006%). This missense change has been observed in individual(s) with a Lynch syndrome cancer and/or polyposis (PMID: 25980754). ClinVar contains an entry for this variant (Variation ID: 181788). Invitae Evidence Modeling of protein sequence and biophysical properties (such as structural, functional, and spatial information, amino acid conservation, physicochemical variation, residue mobility, and thermodynamic stability) indicates that this missense variant is not expected to disrupt APC protein function with a negative predictive value of 95%. In summary, the available evidence is currently insufficient to determine the role of this variant in disease. Therefore, it has been classified as a Variant of Uncertain Significance.

Ambry Genetics
Classification: Likely benign for Hereditary cancer-predisposing syndrome. Last evaluated: 2025-06-10. Review status: criteria provided, single submitter. Criteria: Ambry Variant Classification Scheme 2023. Collection method: clinical testing. Allele origin: germline.

Color Diagnostics, LLC DBA Color Health
Classification: Uncertain significance for Hereditary cancer-predisposing syndrome. Last evaluated: 2025-02-24. Review status: criteria provided, single submitter. Criteria: ACMG Guidelines, 2015. Collection method: clinical testing. Allele origin: germline.
Comment: This missense variant replaces histidine with arginine at codon 464 of the APC protein. Computational prediction suggests that this variant may not impact protein structure and function. To our knowledge, functional studies have not been reported for this variant. This variant has not been reported in individuals affected with APC-related disorders in the literature. This variant has been identified in 1/250352 chromosomes in the general population by the Genome Aggregation Database (gnomAD). The available evidence is insufficient to determine the role of this variant in disease conclusively. Therefore, this variant is classified as a Variant of Uncertain Significance.

All of Us Research Program, National Institutes of Health
Classification: Uncertain significance for Classic or attenuated familial adenomatous polyposis. Last evaluated: 2023-06-26. Review status: criteria provided, single submitter. Criteria: ACMG Guidelines, 2015. Collection method: clinical testing. Allele origin: germline. Inheritance: Autosomal dominant inheritance. Observed: 2 variant alleles, 2 heterozygotes.
Comment: This missense variant replaces histidine with arginine at codon 464 of the APC protein. Computational prediction suggests that this variant may not impact protein structure and function (internally defined REVEL score threshold <= 0.5, PMID: 27666373). To our knowledge, functional studies have not been reported for this variant. This variant has not been reported in individuals affected with APC-related disorders in the literature. This variant has been identified in 1/250352 chromosomes in the general population by the Genome Aggregation Database (gnomAD). The available evidence is insufficient to determine the role of this variant in disease conclusively. Therefore, this variant is classified as a Variant of Uncertain Significance.

This study involves interpretation of variants in research participants for the purpose of population health screening. Participant phenotype was not available at the time of variant classification. Additional details can be found in publication PMID: 35346344, PMCID: PMC8962531

Institute for Genomic Medicine (IGM) Clinical Laboratory, Nationwide Children's Hospital
Classification: Uncertain significance for Familial adenomatous polyposis 1. Last evaluated: 2023-02-24. Review status: criteria provided, single submitter. Criteria: ACMG Guidelines, 2015. Collection method: clinical testing. Allele origin: germline.
Comment: This variant is absent from or present at an exceedingly low frequency in gnomAD, a large-scale control population database (ACMG/AMP: PM2). This variant results in a missense alteration in a gene for which primarily truncating variants are known to cause disease (ACMG/AMP: BP1).

GeneDx
Classification: Uncertain significance. Last evaluated: 2020-09-21. Review status: criteria provided, single submitter. Criteria: GeneDx Variant Classification Process June 2021. Collection method: clinical testing. Allele origin: germline. Affected: yes.
Comment: Not observed at a significant frequency in large population cohorts (Lek 2016); In silico analysis supports that this missense variant does not alter protein structure/function; Observed in individuals with Lynch-related cancer or polyps (Yurgelun 2015); This variant is associated with the following publications: (PMID: 25980754)

Baylor Genetics
Classification: Uncertain significance for Familial adenomatous polyposis 1. Last evaluated: 2020-08-30. Review status: criteria provided, single submitter. Criteria: ACMG Guidelines, 2015. Collection method: clinical testing. Allele origin: maternal. Affected: yes. Study: CSER-TexasKidsCanSeq.
Comment: This variant was determined to be of uncertain significance according to ACMG Guidelines, 2015 [PMID:25741868].

Literature cited by the submitters: PubMed 25980754 (cited by Labcorp Genetics (formerly Invitae), Labcorp and Ambry Genetics).

NM_000038.6(APC):c.1391A>G (p.His464Arg)

Gene: APC (APC regulator of Wnt signaling pathway; plus strand). Cytogenetic location: 5q22.2.
Variant type: single nucleotide variant.
Coding change: c.1391A>G on transcript NM_000038.6 (MANE Select); coding-DNA position 1391, A replaced by G.
Protein change: p.His464Arg; replaces histidine 464 with arginine.
Molecular consequence: missense variant.
Genome position (GRCh38, 1-based): chr5:112,821,974, A>G. VCF-style: chr5-112821974-A-G. GRCh37 (hg19) VCF-style: chr5-112157671-A-G.
Other names: p.H464R:CAT>CGT; c.1391A>G, p.His464Arg (NM_001127510.3, NM_001354895.2, NM_001354896.2); c.1337A>G, p.His446Arg (NM_001127511.3); c.1421A>G, p.His474Arg (NM_001354897.2); c.1316A>G, p.His439Arg (NM_001354898.2); c.1307A>G, p.His436Arg (NM_001354899.2); c.1214A>G, p.His405Arg (NM_001354900.2, NM_001354901.2); c.1118A>G, p.His373Arg (NM_001354902.2); and 4 more; short protein forms H446R, H464R, H181R, H373R, H405R, H304R, H338R, H363R.
Identifiers: ClinVar variation 181788 (VCV000181788.24), dbSNP rs730881236, ClinGen allele CA004890.